The following is an entry in ClinVar:

NM_000329.3(RPE65):c.1562A>T (p.Asn521Ile)

Gene: RPE65 (retinoid isomerohydrolase RPE65; minus strand). Cytogenetic location: 1p31.3.
Variant type: single nucleotide variant.
Coding change: c.1562A>T on transcript NM_000329.3 (MANE Select); coding-DNA position 1562, A replaced by T.
Protein change: p.Asn521Ile; replaces asparagine 521 with isoleucine.
Molecular consequence: missense variant.
Genome position (GRCh38, 1-based): chr1:68,429,816, T>A on the plus strand (A>T on the coding strand, the complement: RPE65 is on the minus strand). VCF-style: chr1-68429816-T-A. GRCh37 (hg19) VCF-style: chr1-68895499-T-A.
Other names: c.1454A>T, p.Asn485Ile (NM_001406853.1); c.1286A>T, p.Asn429Ile (NM_001406856.1, NM_001406857.1); short protein forms N429I, N485I, N521I.
Identifiers: ClinVar variation 2429668 (VCV002429668.1), dbSNP rs200661005, ClinGen allele CA23562522.

ClinVar aggregate classification (germline): Uncertain significance (1 of 4 stars; one submission).

Allele frequency attached by ClinVar (database versions not stated): gnomAD exomes below 0.00001.
gnomAD v4.1: 2 of 1,613,834 alleles (0.00012%); highest among the groups gnomAD compares: Non-Finnish European, 0.00017%; no homozygotes.

Submission:

GeneDx
Classification: Uncertain significance. Last evaluated: 2022-08-09. Review status: criteria provided, single submitter. Criteria: GeneDx Variant Classification Process June 2021. Collection method: clinical testing. Allele origin: germline. Affected: yes.
Comment: Not observed at significant frequency in large population cohorts (gnomAD); In silico analysis supports that this missense variant has a deleterious effect on protein structure/function; Has not been previously published as pathogenic or benign to our knowledge